The following is an entry in ClinVar:

NM_000093.5(COL5A1):c.5342_5343insTGACAA (p.Tyr1781_Ile1782insAspAsn)

Genes: COL5A1 (collagen type V alpha 1 chain; plus strand), LOC101448202 (uncharacterized LOC101448202; minus strand). Cytogenetic location: 9q34.3.
Variant type: Insertion.
Coding change: c.5342_5343insTGACAA on transcript NM_000093.5 (MANE Select); coding-DNA positions 5342 to 5343, TGACAA inserted.
Protein change: p.Tyr1781_Ile1782insAspAsn.
Molecular consequence: inframe insertion.
Genome position: GRCh38 VCF-style: chr9-134835175-T-TATGACA. GRCh37 (hg19) VCF-style: chr9-137727021-T-TATGACA.
Other names: c.5342_5343insTGACAA, p.Tyr1781_Ile1782insAspAsn (NM_001278074.1).
Identifiers: ClinVar variation 1390234 (VCV001390234.4), dbSNP rs2132926191, ClinGen allele CA2573144157.
Genomic context (GRCh38, chr9:134,835,175, plus strand): 5'-GACAAGGCCCTCCGCTTCCTGGGCTCCAACGACGAGGAGATGTCCTATGACAACAACCCC[T>TATGACA]ACATCCGCGCCCTGGTGGACGGCTGTGCTGTGAGTATCCCGCGCCGCGCCCAGCACCCCT-3'

ClinVar aggregate classification (germline): Uncertain significance (1 of 4 stars; one submission).

Conditions:
Ehlers-Danlos syndrome, classic type, 1 (EDSCL1). Also called: EHLERS-DANLOS SYNDROME, GRAVIS TYPE; EHLERS-DANLOS SYNDROME, SEVERE CLASSIC TYPE; Ehlers-Danlos syndrome, type 1; Ehlers-Danlos Syndrome, Classic Type, COL5A1-Related; EDS I. Identifiers: MedGen C0268335, MONDO:0019567, OMIM 130000.

Submission:

Labcorp Genetics (formerly Invitae), Labcorp
Classification: Uncertain significance for Ehlers-Danlos syndrome, classic type, 1. Last evaluated: 2021-04-23. Review status: criteria provided, single submitter. Criteria: Invitae Variant Classification Sherloc (09022015). Collection method: clinical testing. Allele origin: germline.
Comment: In summary, the available evidence is currently insufficient to determine the role of this variant in disease. Therefore, it has been classified as a Variant of Uncertain Significance. This variant, c.5342_5343insTGACAA, results in the insertion of 2 amino acid(s) to the COL5A1 protein (p.Tyr1781_Ile1782insAspAsn), but otherwise preserves the integrity of the reading frame. This variant is not present in population databases (ExAC no frequency). This variant has not been reported in the literature in individuals with COL5A1-related conditions. Experimental studies and prediction algorithms are not available or were not evaluated, and the functional significance of this variant is currently unknown.